The following is an entry in ClinVar:

ClinVar aggregate classification (germline): Pathogenic. Review status: reviewed by expert panel (3 of 4 stars). 31 submissions from 30 submitters: Pathogenic (1). 30 of the submissions do not count toward it. Last evaluated 2016-04-22.

Conditions:
BRCA2-related disorder. Also called: BRCA2-related condition; BRCA2-related disorders. Identifiers: MedGen CN239275.
Prostate cancer. Also called: Malignant tumor of prostate. Identifiers: Orphanet 1331, MedGen C0376358, MONDO:0008315, HP:0012125.
Medulloblastoma (MDB). Also called: MEDULLOBLASTOMA PREDISPOSITION SYNDROME; Medulloblastoma, somatic. Identifiers: Orphanet 616, MedGen C0025149, MeSH D008527, MONDO:0007959, OMIM 155255, HP:0002885.
Breast-ovarian cancer, familial, susceptibility to, 2 (BROVCA2). Also called: BRCA2 Hereditary Breast and Ovarian Cancer. Identifiers: Orphanet 145, MedGen C2675520, MONDO:0012933, OMIM 612555. Disease mechanism: loss of function.
Fanconi anemia complementation group D1. Also called: BRCA2-Related Fanconi Anemia. Identifiers: Orphanet 319462, MedGen C1838457, MONDO:0011584, OMIM 605724.
Wilms tumor 1 (WT1). Also called: Wilms tumor, somatic. Identifiers: Orphanet 654, MedGen CN033288, MONDO:0008679, OMIM 194070.
Pancreatic cancer, susceptibility to, 2. Identifiers: Orphanet 1333, MedGen C3150546, MONDO:0013235, OMIM 613347.
Glioma susceptibility 3 (GLM3). Also called: Glioblastoma 3. Identifiers: Orphanet 182067, Orphanet 360, MedGen C2751641, MONDO:0013093, OMIM 613029.
Familial cancer of breast. Also called: BREAST CANCER, FAMILIAL; hereditary breast carcinoma; Hereditary breast cancer. Identifiers: Orphanet 227535, MedGen C0346153, MONDO:0016419, OMIM 114480. Disease mechanism: loss of function.
Breast and/or ovarian cancer. Identifiers: MedGen CN221562.
Hereditary cancer-predisposing syndrome. Also called: Hereditary Cancer Syndrome; Tumor predisposition; Neoplastic Syndromes, Hereditary; Hereditary neoplastic syndrome. Identifiers: Orphanet 140162, MedGen C0027672, MeSH D009386, MONDO:0015356.
Hereditary breast ovarian cancer syndrome. Also called: Breast and ovarian cancer; BRCA1- and BRCA2-Associated Hereditary Breast and Ovarian Cancer; Hereditary breast and ovarian cancer; Hereditary breast and ovarian cancer syndrome (HBOC); Hereditary breast and ovarian cancer syndrome; Hereditary breast and/or ovarian cancer syndrome. Identifiers: Orphanet 145, MedGen C0677776, MeSH D061325, MONDO:0003582. Disease mechanism: loss of function.
Breast-ovarian cancer, familial, susceptibility to, 1 (BROVCA1). Also called: BRCA1 Hereditary Breast and Ovarian Cancer; OVARIAN CANCER, SUSCEPTIBILITY TO. Identifiers: Orphanet 145, MedGen C2676676, MONDO:0011450, OMIM 604370. Disease mechanism: loss of function.
Malignant tumor of breast. Also called: Malignant breast neoplasm; Cancer breast. Identifiers: MedGen C0006142, MONDO:0007254. Disease mechanism: loss of function.

Allele frequency attached by ClinVar (database versions not stated): ExAC 0.00001; gnomAD 0.00001; gnomAD exomes 0.00001.
gnomAD v4.1: 4 of 1,613,790 alleles (0.00025%); highest among the groups gnomAD compares: East Asian, 0.0022%; no homozygotes.

Submissions 1 to 9 of 31:

Evidence-based Network for the Interpretation of Germline Mutant Alleles (ENIGMA)
Classification: Pathogenic for Breast-ovarian cancer, familial, susceptibility to, 2. Last evaluated: 2016-04-22. Review status: reviewed by expert panel. Criteria: ENIGMA BRCA1/2 Classification Criteria (2015). Collection method: curation. Allele origin: germline.
Comment: Variant allele predicted to encode a truncated non-functional protein.

PreventionGenetics, part of Exact Sciences
Classification: Pathogenic for BRCA2-related condition. Last evaluated: 2026-07-22. Review status: criteria provided, single submitter. Criteria: ACMG Guidelines, 2015. Collection method: clinical testing. Allele origin: germline. Not counted in ClinVar's aggregate classification.
Comment: The BRCA2 c.5864C>A variant is predicted to result in premature protein termination (p.Ser1955*). This variant, also described as c.6092C>A in the literature, has been reported to be causative for hereditary breast and ovarian cancer syndrome in multiple individuals (Meindl. 2002. PubMed ID: 11802209; Table S1, Cunningham et al. 2014. PubMed ID: 24504028), has also been documented in individuals with prostate cancer (Table S1, Pritchard et al. 2016. PubMed ID: 27433846), and pancreatic cancer (Hu et al. 2016. PubMed ID: 26483394). This variant is reported in 0.010% of alleles in individuals of East Asian descent in gnomAD and has been interpreted as pathogenic by the Evidence-based Network for the Interpretation of Germline Mutant Alleles (ENIGMA) variant curation expert panel in ClinVar (Variation ID: 51954). Nonsense variants in BRCA2 are expected to be pathogenic. This variant is interpreted as pathogenic.

St. Jude Molecular Pathology, St. Jude Children's Research Hospital
Classification: Pathogenic for Breast-ovarian cancer, familial, susceptibility to, 2. Last evaluated: 2026-02-20. Review status: criteria provided, single submitter. Criteria: St. Jude Assertion Criteria 2020. Collection method: clinical testing. Allele origin: germline. Not counted in ClinVar's aggregate classification.
Comment: the BRCA2 gene are associated with hereditary breast and ovarian cancer syndrome (HBOC), an autosomal dominant disorder that increases the risk for breast and ovarian cancer (OMIM ID: 612555). Pathogenic variants affecting both copies of the BRCA2 gene are associated with Fanconi anemia, a rare autosomal recessive disorder that is characterized by developmental abnormalities, bone marrow failure, and predisposition to cancer (OMIM ID: 605724). The BRCA2 c.5864C> A p.(Ser1955Ter) change is a nonsense variant that is predicted to cause premature protein truncation or absence of protein due to nonsense-mediated decay. This variant has been reported in individuals with breast and/or ovarian cancer (PMID: 11802209, 2 4504028). This variant has a maximum subpopulation frequency of 0.01% in gnomAD v2.1.1. In summary, this variant meets criteria to be classified as pathogenic.

Labcorp Genetics (formerly Invitae), Labcorp
Classification: Pathogenic for Hereditary breast ovarian cancer syndrome. Last evaluated: 2026-01-20. Review status: criteria provided, single submitter. Criteria: Invitae Variant Classification Sherloc (09022015). Collection method: clinical testing. Allele origin: germline. Not counted in ClinVar's aggregate classification.
Comment: This sequence change creates a premature translational stop signal (p.Ser1955*) in the BRCA2 gene. It is expected to result in an absent or disrupted protein product. Loss-of-function variants in BRCA2 are known to be pathogenic (PMID: 20104584). This variant is present in population databases (rs80358815, gnomAD 0.01%). This premature translational stop signal has been observed in individual(s) with breast and ovarian cancer (PMID: 11802209, 15131399, 16683254, 24504028, 24728189, 26483394, 26586665, 27433846). This variant is also known as 6092C>A. ClinVar contains an entry for this variant (Variation ID: 51954). For these reasons, this variant has been classified as Pathogenic.

Institute of Immunology and Genetics Kaiserslautern
Classification: Pathogenic for Breast-ovarian cancer, familial, susceptibility to, 1. Last evaluated: 2025-07-30. Review status: criteria provided, single submitter. Criteria: ACMG Guidelines, 2015. Collection method: clinical testing. Allele origin: germline. Affected: yes. Not counted in ClinVar's aggregate classification.
Comment: ACMG Criteria: PVS1, PM2, PP5_M.

CeGaT Center for Human Genetics Tuebingen
Classification: Pathogenic. Last evaluated: 2025-04-01. Review status: criteria provided, single submitter. Criteria: CeGaT Center For Human Genetics Tuebingen Variant Classification Criteria Version 2. Collection method: clinical testing. Allele origin: germline. Affected: yes. Observed: 3 variant alleles. Not counted in ClinVar's aggregate classification.
Comment: BRCA2: PVS1, PM2, PS4:Moderate

Ambry Genetics
Classification: Pathogenic for Hereditary cancer-predisposing syndrome. Last evaluated: 2025-01-09. Review status: criteria provided, single submitter. Criteria: Ambry Variant Classification Scheme 2023. Collection method: clinical testing. Allele origin: germline. Not counted in ClinVar's aggregate classification.
Comment: The p.S1955* pathogenic mutation (also known as c.5864C>A), located in coding exon 10 of the BRCA2 gene, results from a C to A substitution at nucleotide position 5864. This changes the amino acid from a serine to a stop codon within coding exon 10. This mutation has been reported in multiple high-risk breast and/or ovarian cancer kindreds (Meindl A et al. Int. J. Cancer. 2002 Feb;97(4):472-80; Lubinski J et al. Fam. Cancer. 2004;3(1):1-10; Meisel C et al. Arch. Gynecol. Obstet. 2017 May;295(5):1227-1238). It has also been reported in a patient with epithelial ovarian cancer and a patient with metastatic prostate cancer, both of whom were unselected for family history of cancer or age at diagnosis (Cunningham JM et al. Sci. Rep. 2014 Feb;4:4026; Pritchard CC et al. N. Engl. J. Med. 2016 Aug 4;375(5):443-53). Of note, this alteration is also designated as S1955X and 6092C>A in published literature. In addition to the clinical data presented in the literature, this alteration is expected to result in loss of function by premature protein truncation or nonsense-mediated mRNA decay. As such, this alteration is interpreted as a disease-causing mutation.

Mayo Clinic Laboratories, Mayo Clinic
Classification: Pathogenic. Last evaluated: 2025-01-02. Review status: criteria provided, single submitter. Criteria: ACMG Guidelines, 2015. Collection method: clinical testing. Allele origin: germline. Observed: 2 variant alleles. Not counted in ClinVar's aggregate classification.
Comment: PM5_strong, PVS1

Rady Children's Institute for Genomic Medicine, Rady Children's Hospital San Diego
Classification: Pathogenic for BRCA2-related disorders. Last evaluated: 2024-12-30. Review status: criteria provided, single submitter. Criteria: ACMG Guidelines, 2015. Collection method: clinical testing. Allele origin: germline. Affected: yes. Not counted in ClinVar's aggregate classification.
Comment: This nonsense variant found in exon 11 of 28 is predicted to result in loss of normal protein function through either protein truncation or nonsense-mediated mRNA decay. Loss-of-function variation in BRCA2 is an established mechanism of disease (PMID: 20301425). This variant has been previously reported as a heterozygous change in individuals with hereditary breast and ovarian cancer syndrome (PMID: 24728189, 11802209, 24504028, 27433846, 29625052, 29446198). The c.5864C>A (p.Ser1955Ter) variant is present in the latest version of the gnomAD population database at an allele frequency of 0.0002% (4/1613790) and thus is presumed to be rare. Based on the available evidence, c.5864C>A (p.Ser1955Ter) is classified as Pathogenic.

NM_000059.4(BRCA2):c.5864C>A (p.Ser1955Ter)

Gene: BRCA2 (BRCA2 DNA repair associated; plus strand). Cytogenetic location: 13q13.1.
Variant type: single nucleotide variant.
Coding change: c.5864C>A on transcript NM_000059.4 (MANE Select); coding-DNA position 5864, C replaced by A.
Protein change: p.Ser1955Ter; replaces serine 1955 with a stop codon.
Molecular consequence: nonsense.
Genome position (GRCh38, 1-based): chr13:32,340,219, C>A. VCF-style: chr13-32340219-C-A. GRCh37 (hg19) VCF-style: chr13-32914356-C-A.
Other names: 6092C>A; short protein forms S1955*.
Identifiers: ClinVar variation 51954 (VCV000051954.91), dbSNP rs80358815, ClinGen allele CA023317.